The following is an entry in ClinVar:

ClinVar aggregate classification (germline): Likely benign. Review status: criteria provided, multiple submitters, no conflicts (2 of 4 stars). 2 submissions from 2 submitters: Likely benign (2). Last evaluated 2025-04-17.

Conditions:
WDR81-related disorder. Also called: WDR81-related condition.

Submissions (2):

PreventionGenetics, part of Exact Sciences
Classification: Likely benign for WDR81-related condition. Last evaluated: 2025-04-17. Review status: criteria provided, single submitter. Criteria: ACMG Guidelines, 2015. Collection method: clinical testing. Allele origin: germline.
Comment: This variant is classified as likely benign based on ACMG/AMP sequence variant interpretation guidelines (Richards et al. 2015 PMID: 25741868, with internal and published modifications).

Blueprint Genetics
Classification: Likely benign. Last evaluated: 2024-04-05. Review status: criteria provided, single submitter. Criteria: ACMG Guidelines, 2015. Collection method: clinical testing. Allele origin: germline.

NM_001163809.2(WDR81):c.3906C>T (p.Ile1302=)

Gene: WDR81 (WD repeat domain 81; plus strand). Cytogenetic location: 17p13.3.
Variant type: single nucleotide variant.
Coding change: c.3906C>T on transcript NM_001163809.2 (MANE Select); coding-DNA position 3906, C replaced by T.
Protein change: p.Ile1302=; no amino-acid change (isoleucine 1302 retained).
Molecular consequence: synonymous variant.
Genome position (GRCh38, 1-based): chr17:1,730,885, C>T. VCF-style: chr17-1730885-C-T. GRCh37 (hg19) VCF-style: chr17-1634179-C-T.
Other names: c.3906C>T (NM_001163809.1); c.297C>T, p.Ile99= (NM_001163673.2); c.225C>T, p.Ile75= (NM_001163811.2); c.753C>T, p.Ile251= (NM_152348.4).
Identifiers: ClinVar variation 4932622 (VCV004932622.2).
Genomic context (GRCh38, chr17:1,730,885, plus strand): 5'-GAAGAGGCCGGTCCTGGGCGACATCGTGTCAGGGCCTGTGCTCAGCTGCCTCCTCCACAT[C>T]GCCCGCCTGTATGGGGAGCCTGTCCTCACCTACCAGTACCTGCCCTACATCAGCTACCTG-3'
Protein context (NP_001157281.1, residues 1292-1312): SGPVLSCLLH[Ile1302=]ARLYGEPVLT